The following is an entry in ClinVar:

NM_002734.5(PRKAR1A):c.1018G>T (p.Val340Phe)

Gene: PRKAR1A (protein kinase cAMP-dependent type I regulatory subunit alpha; plus strand). Cytogenetic location: 17q24.2.
Variant type: single nucleotide variant.
Coding change: c.1018G>T on transcript NM_002734.5 (MANE Select); coding-DNA position 1018, G replaced by T.
Protein change: p.Val340Phe; replaces valine 340 with phenylalanine.
Molecular consequence: missense variant. On other transcripts: intron variant (1).
Genome position (GRCh38, 1-based): chr17:68,530,321, G>T. VCF-style: chr17-68530321-G-T. GRCh37 (hg19) VCF-style: chr17-66526462-G-T.
Other names: c.1018G>T, p.Val340Phe (NM_212471.3, NM_212472.2, NM_001276289.2 and 3 more transcripts); c.973+320G>T (NM_001276290.1); short protein forms V340F.
Identifiers: ClinVar variation 5027349 (VCV005027349.1).

ClinVar aggregate classification (germline): Uncertain significance (1 of 4 stars; one submission).

Conditions:
Hereditary cancer-predisposing syndrome. Also called: Neoplastic Syndromes, Hereditary; Tumor predisposition; Hereditary neoplastic syndrome; Hereditary Cancer Syndrome. Identifiers: Orphanet 140162, MedGen C0027672, MeSH D009386, MONDO:0015356.

Submission:

Ambry Genetics
Classification: Uncertain significance for Hereditary cancer-predisposing syndrome. Last evaluated: 2026-08-10. Review status: criteria provided, single submitter. Criteria: Ambry Variant Classification Scheme 2023. Collection method: clinical testing. Allele origin: germline.
Comment: The p.V340F variant (also known as c.1018G>T), located in coding exon 10 of the PRKAR1A gene, results from a G to T substitution at nucleotide position 1018. The valine at codon 340 is replaced by phenylalanine, an amino acid with highly similar properties. This amino acid position is conserved. In addition, this alteration is predicted to be deleterious by in silico analysis. Based on the available evidence, the clinical significance of this variant remains unclear.